The following is an entry in ClinVar:

ClinVar aggregate classification (germline): Likely benign. Review status: criteria provided, multiple submitters, no conflicts (2 of 4 stars). 2 submissions from 2 submitters: Likely benign (2). Last evaluated 2025-07-20.

Conditions:
Charcot-Marie-Tooth disease axonal type 2O. Also called: Charcot-Marie-Tooth Neuropathy Type 2O; Charcot-Marie-Tooth disease, axonal, type 20; CHARCOT-MARIE-TOOTH NEUROPATHY, AXONAL, TYPE 2O; CHARCOT-MARIE-TOOTH DISEASE, AXONAL, AUTOSOMAL DOMINANT, TYPE 2O. Identifiers: Orphanet 284232, MedGen C3280220, MONDO:0013644, OMIM 614228.

Allele frequency attached by ClinVar (database versions not stated): TOPMed below 0.00001; ExAC 0.00001; gnomAD 0.00001; gnomAD exomes 0.00001; ESP Exome Variant Server 0.00008.
gnomAD v4.1: 8 of 1,614,034 alleles (0.0005%); highest among the groups gnomAD compares: African/African-American, 0.0027%; no homozygotes.

Submissions (2):

Labcorp Genetics (formerly Invitae), Labcorp
Classification: Likely benign for Charcot-Marie-Tooth disease axonal type 2O. Last evaluated: 2025-07-20. Review status: criteria provided, single submitter. Criteria: Invitae Variant Classification Sherloc (09022015). Collection method: clinical testing. Allele origin: germline.

CeGaT Center for Human Genetics Tuebingen
Classification: Likely benign. Last evaluated: 2025-05-01. Review status: criteria provided, single submitter. Criteria: CeGaT Center For Human Genetics Tuebingen Variant Classification Criteria Version 2. Collection method: clinical testing. Allele origin: germline. Affected: yes. Observed: 1 variant allele.
Comment: DYNC1H1: BP4

NM_001376.5(DYNC1H1):c.13219-8G>A

Gene: DYNC1H1 (dynein cytoplasmic 1 heavy chain 1; plus strand). Cytogenetic location: 14q32.31.
Variant type: single nucleotide variant.
Coding change: c.13219-8G>A on transcript NM_001376.5 (MANE Select); 8 bases into the intron before coding-DNA position 13219, G replaced by A.
Molecular consequence: intron variant.
Genome position (GRCh38, 1-based): chr14:102,048,508, G>A. VCF-style: chr14-102048508-G-A. GRCh37 (hg19) VCF-style: chr14-102514845-G-A.
Identifiers: ClinVar variation 766713 (VCV000766713.23), dbSNP rs370812794, ClinGen allele CA7354185.